The following is an entry in ClinVar:

NM_003200.5(TCF3):c.1661A>G (p.Asn554Ser)

Gene: TCF3 (transcription factor 3; minus strand). Cytogenetic location: 19p13.3.
Variant type: single nucleotide variant.
Coding change: c.1661A>G on transcript NM_003200.5 (MANE Select); coding-DNA position 1661, A replaced by G.
Protein change: p.Asn554Ser; replaces asparagine 554 with serine.
Molecular consequence: missense variant. On other transcripts: intron variant (2).
Genome position (GRCh38, 1-based): chr19:1,615,446, T>C on the plus strand (A>G on the coding strand, the complement: TCF3 is on the minus strand). VCF-style: chr19-1615446-T-C. GRCh37 (hg19) VCF-style: chr19-1615445-T-C.
Other names: c.1658A>G, p.Asn553Ser (NM_001351778.2); c.1586+240A>G (NM_001136139.4, NM_001351779.2); short protein forms N554S, N553S.
Identifiers: ClinVar variation 1487813 (VCV001487813.6), dbSNP rs1224652556, ClinGen allele CA16040548.

ClinVar aggregate classification (germline): Uncertain significance (1 of 4 stars; one submission).

Allele frequency attached by ClinVar (database versions not stated): gnomAD exomes 0.00001; TOPMed 0.00001.

Submission:

Labcorp Genetics (formerly Invitae), Labcorp
Classification: Uncertain significance. Last evaluated: 2025-10-21. Review status: criteria provided, single submitter. Criteria: Invitae Variant Classification Sherloc (09022015). Collection method: clinical testing. Allele origin: germline.
Comment: This sequence change replaces asparagine, which is neutral and polar, with serine, which is neutral and polar, at codon 554 of the TCF3 protein (p.Asn554Ser). This variant is present in population databases (no rsID available, gnomAD 0.007%). This variant has not been reported in the literature in individuals affected with TCF3-related conditions. ClinVar contains an entry for this variant (Variation ID: 1487813). Invitae Evidence Modeling of protein sequence and biophysical properties (such as structural, functional, and spatial information, amino acid conservation, physicochemical variation, residue mobility, and thermodynamic stability) indicates that this missense variant is expected to disrupt TCF3 protein function with a positive predictive value of 80%. Experimental studies have shown that this missense change affects TCF3 function (PMID: 36576946). In summary, the available evidence is currently insufficient to determine the role of this variant in disease. Therefore, it has been classified as a Variant of Uncertain Significance.

Literature cited by the submitters: PubMed 36576946.